The following is an entry in ClinVar:

NM_001197104.2(KMT2A):c.3413A>G (p.Asn1138Ser)

Gene: KMT2A (lysine methyltransferase 2A; plus strand). Cytogenetic location: 11q23.3.
Variant type: single nucleotide variant.
Coding change: c.3413A>G on transcript NM_001197104.2 (MANE Select); coding-DNA position 3413, A replaced by G.
Protein change: p.Asn1138Ser; replaces asparagine 1138 with serine.
Molecular consequence: missense variant.
Genome position (GRCh38, 1-based): chr11:118,478,045, A>G. VCF-style: chr11-118478045-A-G. GRCh37 (hg19) VCF-style: chr11-118348760-A-G.
Other names: c.3413A>G, p.Asn1138Ser (NM_005933.4); short protein forms N1138S.
Identifiers: ClinVar variation 1027822 (VCV001027822.4), dbSNP rs1031671823, ClinGen allele CA229524015.

ClinVar aggregate classification (germline): Uncertain significance. Review status: criteria provided, multiple submitters, no conflicts (2 of 4 stars). 2 submissions from 2 submitters: Uncertain significance (2). Last evaluated 2025-03-19.

Conditions:
Wiedemann-Steiner syndrome (WDSTS). Also called: Growth deficiency and mental retardation with facial dysmorphism. Identifiers: Orphanet 319182, MedGen C1854630, MONDO:0011518, OMIM 605130.

Allele frequency attached by ClinVar (database versions not stated): TOPMed below 0.00001; gnomAD 0.00001; gnomAD exomes 0.00001.
gnomAD v4.1: 12 of 1,614,006 alleles (0.00074%); highest among the groups gnomAD compares: Non-Finnish European, 0.00093%; no homozygotes.

Submissions (2):

Labcorp Genetics (formerly Invitae), Labcorp
Classification: Uncertain significance. Last evaluated: 2025-03-19. Review status: criteria provided, single submitter. Criteria: Invitae Variant Classification Sherloc (09022015). Collection method: clinical testing. Allele origin: germline.
Comment: This sequence change replaces asparagine, which is neutral and polar, with serine, which is neutral and polar, at codon 1138 of the KMT2A protein (p.Asn1138Ser). This variant is not present in population databases (gnomAD no frequency). This variant has not been reported in the literature in individuals affected with KMT2A-related conditions. ClinVar contains an entry for this variant (Variation ID: 1027822). Invitae Evidence Modeling of protein sequence and biophysical properties (such as structural, functional, and spatial information, amino acid conservation, physicochemical variation, residue mobility, and thermodynamic stability) indicates that this missense variant is not expected to disrupt KMT2A protein function with a negative predictive value of 95%. In summary, the available evidence is currently insufficient to determine the role of this variant in disease. Therefore, it has been classified as a Variant of Uncertain Significance.

Baylor Genetics
Classification: Uncertain significance for Wiedemann-Steiner syndrome. Last evaluated: 2020-10-30. Review status: criteria provided, single submitter. Criteria: ACMG Guidelines, 2015. Collection method: clinical testing. Allele origin: unknown. Affected: yes.
Comment: This variant was determined to be of uncertain significance according to ACMG Guidelines, 2015 [PMID:25741868].